The following is an entry in ClinVar:

NM_024675.4(PALB2):c.1921A>G (p.Lys641Glu)

Gene: PALB2 (partner and localizer of BRCA2; minus strand). Cytogenetic location: 16p12.2.
Variant type: single nucleotide variant.
Coding change: c.1921A>G on transcript NM_024675.4 (MANE Select); coding-DNA position 1921, A replaced by G.
Protein change: p.Lys641Glu; replaces lysine 641 with glutamic acid.
Molecular consequence: missense variant.
Genome position (GRCh38, 1-based): chr16:23,630,233, T>C on the plus strand (A>G on the coding strand, the complement: PALB2 is on the minus strand). VCF-style: chr16-23630233-T-C. GRCh37 (hg19) VCF-style: chr16-23641554-T-C.
Other names: short protein forms K641E.
Identifiers: ClinVar variation 830152 (VCV000830152.1), dbSNP rs1966863645, ClinGen allele CA395127511.

ClinVar aggregate classification (germline): Uncertain significance (0 of 4 stars; one submission).

Submission:

Leiden Open Variation Database
Classification: Uncertain significance. Last evaluated: 2018-08-25. Review status: no assertion criteria provided. Collection method: curation. Allele origin: germline. Affected: yes.
Comment: Curators: Marc Tischkowitz, Arleen D. Auerbach. Submitter to LOVD: Yukihide Momozawa.

Literature cited by the submitters: PubMed 30287823.